The following is an entry in ClinVar:

ClinVar aggregate classification (germline): Uncertain significance. Review status: criteria provided, multiple submitters, no conflicts (2 of 4 stars). 2 submissions from 2 submitters: Uncertain significance (2). Last evaluated 2023-06-23.

Conditions:
Leukodystrophy, hypomyelinating, 9. Identifiers: Orphanet 438114, MedGen C4015323, MONDO:0014506, OMIM 616140.

Allele frequency attached by ClinVar (database versions not stated): gnomAD exomes 0.00001 and 0.00003; ExAC 0.00003; TOPMed 0.00007; gnomAD 0.00010 and 0.00011; ESP Exome Variant Server 0.00023.
gnomAD v4.1: 36 of 1,613,604 alleles (0.0022%); highest among the groups gnomAD compares: African/African-American, 0.027%; no homozygotes.

Submissions (2):

GeneDx
Classification: Uncertain significance. Last evaluated: 2023-06-23. Review status: criteria provided, single submitter. Criteria: GeneDx Variant Classification Process June 2021. Collection method: clinical testing. Allele origin: germline. Affected: yes.
Comment: In silico analysis supports that this missense variant has a deleterious effect on protein structure/function; This variant is associated with the following publications: (PMID: 31814314)

Victorian Clinical Genetics Services, Murdoch Childrens Research Institute
Classification: Uncertain significance for Leukodystrophy, hypomyelinating, 9. Last evaluated: 2020-10-19. Review status: criteria provided, single submitter. Criteria: ACMG Guidelines, 2015. Collection method: clinical testing. Allele origin: germline. Inheritance: Autosomal recessive inheritance.
Comment: Based on the classification scheme VCGS_Germline_v1.1.1, this variant is classified as 3A-VUS. Following criteria are met: 0102 - Loss-of-function is likely mechanism of disease for this gene. (N) 0106 - This gene is known to be associated with autosomal recessive disease. (N) 0200 - Variant is predicted to result in a missense amino acid change from arginine to histidine (exon 6). (N) 0251 - Variant is heterozygous. (N) 0304 - Variant is present in gnomAD <0.01 for a recessive condition (v3: 15 Heterozygotes, 0 Homozygotes). (P) 0502 - Missense variant with conflicting in silico predictions and uninformative conservation. (N) 0600 - Variant is located in an annotated domain or motif. This variant is located in the tRNA synthetases class I domain (NCBI conserved domain). (N) 0705 - No comparable variants have previous evidence for pathogenicity. (N) 0803 - Low previous evidence of pathogenicity in unrelated individuals. This variant has been reported as a compound heterozygous variant in an individual with intermediate hypomyelinating leukodystrophy (PMID: 31814314). (P) 0905 - No segregation evidence has been identified for this variant in the literature. (N) 1007 - No published functional evidence has been identified for this variant. (N) 1208 - Inheritance information for this variant is not currently available. (N) Legend: (P) - Pathogenic, (N) - Neutral, (B) - Benign

Literature cited by the submitters: PubMed 31814314 (cited by Victorian Clinical Genetics Services, Murdoch Childrens Research Institute).

NM_002887.4(RARS1):c.668G>A (p.Arg223His)

Gene: RARS1 (arginyl-tRNA synthetase 1; plus strand). Cytogenetic location: 5q34.
Variant type: single nucleotide variant.
Coding change: c.668G>A on transcript NM_002887.4 (MANE Select); coding-DNA position 668, G replaced by A.
Protein change: p.Arg223His; replaces arginine 223 with histidine.
Molecular consequence: missense variant.
Genome position (GRCh38, 1-based): chr5:168,495,403, G>A. VCF-style: chr5-168495403-G-A. GRCh37 (hg19) VCF-style: chr5-167922408-G-A.
Other names: short protein forms R223H.
Identifiers: ClinVar variation 423665 (VCV000423665.4), dbSNP rs146632182, ClinGen allele CA3549671.